The following is an entry in ClinVar:

ClinVar aggregate classification (germline): Benign (3 of 4 stars; one submission).

Conditions:
Breast-ovarian cancer, familial, susceptibility to, 2 (BROVCA2). Also called: BRCA2 Hereditary Breast and Ovarian Cancer. Identifiers: Orphanet 145, MedGen C2675520, MONDO:0012933, OMIM 612555. Disease mechanism: loss of function.

Submission:

Evidence-based Network for the Interpretation of Germline Mutant Alleles (ENIGMA)
Classification: Benign for Breast-ovarian cancer, familial, susceptibility to, 2. Last evaluated: 2016-09-28. Review status: reviewed by expert panel. Criteria: ENIGMA BRCA1/2 Classification Criteria (2015). Collection method: curation. Allele origin: germline.
Comment: Class 1 not pathogenic based on frequency >1% in an outbred sampleset. Frequency 0.1998 (European), 0.1241 (African), 0.1499 (Admixed American/Latino), 0.1716 (East Asian), 0.1299 (South Asian), derived from 1000 genomes (2013-05-02).

NM_000059.4(BRCA2):c.681+315TA[7]

Gene: BRCA2 (BRCA2 DNA repair associated; plus strand). Cytogenetic location: 13q13.1.
Variant type: Microsatellite.
Coding change: c.681+315TA[7] on transcript NM_000059.4 (MANE Select); seven copies in a row of the 2-base unit TA starting at c.681+315; the reference has six copies in a row; one copy, 2 bases duplicated.
Molecular consequence: intron variant.
Genome position (GRCh38, 1-based): chr13:32,329,817-32,329,818, TA duplicated; duplicating any 2 consecutive bases within chr13:32,329,807-32,329,818 gives the same sequence; the position shown is the placement nearest the transcript's 3' end. VCF-style (leftmost placement, unchanged base first): chr13-32329806-T-TTA. GRCh37 (hg19) VCF-style: chr13-32903943-T-TTA.
Other names: c.681+325_681+326dup (NM_000059.3).
Identifiers: ClinVar variation 264877 (VCV000264877.1), dbSNP rs397843916, ClinGen allele CA10588085.